The following is an entry in ClinVar:

ClinVar aggregate classification (germline): Pathogenic. Review status: criteria provided, multiple submitters, no conflicts (2 of 4 stars). 5 submissions from 5 submitters: Pathogenic (5). Last evaluated 2025-07-02.

Conditions:
Hereditary cancer-predisposing syndrome. Also called: Tumor predisposition; Hereditary Cancer Syndrome; Neoplastic Syndromes, Hereditary; Hereditary neoplastic syndrome. Identifiers: Orphanet 140162, MedGen C0027672, MeSH D009386, MONDO:0015356.
Hereditary breast ovarian cancer syndrome. Also called: BRCA1- and BRCA2-Associated Hereditary Breast and Ovarian Cancer; Hereditary breast and ovarian cancer syndrome; Hereditary breast and ovarian cancer; Hereditary breast and ovarian cancer syndrome (HBOC); Hereditary breast and/or ovarian cancer syndrome; Breast and ovarian cancer. Identifiers: Orphanet 145, MedGen C0677776, MeSH D061325, MONDO:0003582. Disease mechanism: loss of function.
Familial cancer of breast. Also called: BREAST CANCER, FAMILIAL; Hereditary breast cancer; hereditary breast carcinoma. Identifiers: Orphanet 227535, MedGen C0346153, MONDO:0016419, OMIM 114480. Disease mechanism: loss of function.

Submissions (5):

Ambry Genetics
Classification: Pathogenic for Hereditary cancer-predisposing syndrome. Last evaluated: 2025-07-02. Review status: criteria provided, single submitter. Criteria: Ambry Variant Classification Scheme 2023. Collection method: clinical testing. Allele origin: germline.
Comment: The c.7900delA pathogenic mutation, located in coding exon 16 of the BRCA2 gene, results from a deletion of one nucleotide at nucleotide position 7900, causing a translational frameshift with a predicted alternate stop codon (p.M2634Wfs*14). This alteration was identified in four individuals diagnosed with breast cancer from the Bahamas (Akbari MR et al. Clin Genet, 2014 Jan;85:64-7). Of note this alteration is also described in the literature as 8128delA. This variant is considered to be rare based on population cohorts in the Genome Aggregation Database (gnomAD). In addition to the clinical data presented in the literature, this alteration is expected to result in loss of function by premature protein truncation or nonsense-mediated mRNA decay. As such, this alteration is interpreted as a disease-causing mutation.

Labcorp Genetics (formerly Invitae), Labcorp
Classification: Pathogenic for Hereditary breast ovarian cancer syndrome. Last evaluated: 2025-01-27. Review status: criteria provided, single submitter. Criteria: Invitae Variant Classification Sherloc (09022015). Collection method: clinical testing. Allele origin: germline.
Comment: This sequence change creates a premature translational stop signal (p.Met2634Trpfs*14) in the BRCA2 gene. It is expected to result in an absent or disrupted protein product. Loss-of-function variants in BRCA2 are known to be pathogenic (PMID: 20104584). This variant is not present in population databases (gnomAD no frequency). This premature translational stop signal has been observed in individual(s) with breast cancer (PMID: 23458327). This variant is also known as c.8128delA. ClinVar contains an entry for this variant (Variation ID: 627790). Algorithms developed to predict the effect of sequence changes on RNA splicing suggest that this variant may disrupt the consensus splice site. For these reasons, this variant has been classified as Pathogenic.

Baylor Genetics
Classification: Pathogenic for Familial cancer of breast. Last evaluated: 2022-07-11. Review status: criteria provided, single submitter. Criteria: ACMG Guidelines, 2015. Collection method: clinical testing. Allele origin: unknown.

Quest Diagnostics Nichols Institute San Juan Capistrano
Classification: Pathogenic. Last evaluated: 2021-07-23. Review status: criteria provided, single submitter. Criteria: Quest Diagnostics criteria. Collection method: clinical testing. Allele origin: unknown.
Comment: This frameshift variant causes the premature termination of BRCA2 protein synthesis. In addition, it was identified in affected individuals with breast cancer in the published literature ((PMID: 23458327 (2014)). Based on the available information, this variant is classified as pathogenic.

Color Diagnostics, LLC DBA Color Health
Classification: Pathogenic for Hereditary cancer-predisposing syndrome. Last evaluated: 2020-01-15. Review status: criteria provided, single submitter. Criteria: ACMG Guidelines, 2015. Collection method: clinical testing. Allele origin: germline.
Comment: This variant deletes 1 nucleotide in exon 17 of the BRCA2 gene, creating a frameshift and premature translation stop signal. This variant is expected to result in an absent or non-functional protein product. This variant has not been identified in the general population by the Genome Aggregation Database (gnomAD). Loss of BRCA2 function is a known mechanism of disease. Based on the available evidence, this variant is classified as Pathogenic.

Literature cited by the submitters: PubMed 23458327 (cited by 3 submitters); PubMed 20104584 (cited by Labcorp Genetics (formerly Invitae), Labcorp).

NM_000059.4(BRCA2):c.7900del (p.Met2634fs)

Gene: BRCA2 (BRCA2 DNA repair associated; plus strand). Cytogenetic location: 13q13.1.
Variant type: Deletion.
Coding change: c.7900del on transcript NM_000059.4 (MANE Select); coding-DNA position 7900, one base deleted (A; older notation c.7900delA).
Protein change: p.Met2634fs; shifts the reading frame from methionine 2634.
Molecular consequence: frameshift variant.
Genome position (GRCh38, 1-based): chr13:32,362,617, A deleted. VCF-style (leftmost placement, unchanged base first): chr13-32362616-TA-T. GRCh37 (hg19) VCF-style: chr13-32936753-TA-T.
Other names: c.7900delA (NM_000059.3); short protein forms M2634fs.
Identifiers: ClinVar variation 627790 (VCV000627790.19), dbSNP rs1566244864, ClinGen allele CA658761192.